The following is an entry in ClinVar:

ClinVar aggregate classification (germline): Pathogenic. Review status: criteria provided, multiple submitters, no conflicts (2 of 4 stars). 2 submissions from 2 submitters: Pathogenic (2). Last evaluated 2024-12-17.

Conditions:
Breast-ovarian cancer, familial, susceptibility to, 2 (BROVCA2). Also called: BRCA2 Hereditary Breast and Ovarian Cancer. Identifiers: Orphanet 145, MedGen C2675520, MONDO:0012933, OMIM 612555. Disease mechanism: loss of function.
Hereditary breast ovarian cancer syndrome. Also called: BRCA1- and BRCA2-Associated Hereditary Breast and Ovarian Cancer; Hereditary breast and ovarian cancer; Breast and ovarian cancer; Hereditary breast and/or ovarian cancer syndrome; Hereditary breast and ovarian cancer syndrome; Hereditary breast and ovarian cancer syndrome (HBOC). Identifiers: Orphanet 145, MedGen C0677776, MeSH D061325, MONDO:0003582. Disease mechanism: loss of function.

Submissions (2):

Labcorp Genetics (formerly Invitae), Labcorp
Classification: Pathogenic for Hereditary breast ovarian cancer syndrome. Last evaluated: 2024-12-17. Review status: criteria provided, single submitter. Criteria: Invitae Variant Classification Sherloc (09022015). Collection method: clinical testing. Allele origin: germline.
Comment: This sequence change creates a premature translational stop signal (p.Val1873*) in the BRCA2 gene. It is expected to result in an absent or disrupted protein product. Loss-of-function variants in BRCA2 are known to be pathogenic (PMID: 20104584). This variant is not present in population databases (gnomAD no frequency). This premature translational stop signal has been observed in individual(s) with BRCA2-related conditions (PMID: 21520333). ClinVar contains an entry for this variant (Variation ID: 267652). For these reasons, this variant has been classified as Pathogenic.

Consortium of Investigators of Modifiers of BRCA1/2 (CIMBA), c/o University of Cambridge
Classification: Pathogenic for Breast-ovarian cancer, familial, susceptibility to, 2. Last evaluated: 2015-10-02. Review status: criteria provided, single submitter. Criteria: CIMBA Mutation Classification guidelines May 2016. Collection method: clinical testing. Allele origin: germline.

Literature cited by the submitters: PubMed 20104584 (cited by Labcorp Genetics (formerly Invitae), Labcorp); PubMed 21520333 (cited by Labcorp Genetics (formerly Invitae), Labcorp).

NM_000059.4(BRCA2):c.5616del (p.Lys1872_Val1873insTer)

Gene: BRCA2 (BRCA2 DNA repair associated; plus strand). Cytogenetic location: 13q13.1.
Variant type: Deletion.
Coding change: c.5616del on transcript NM_000059.4 (MANE Select); coding-DNA position 5616, one base deleted (A; older notation c.5616delA).
Protein change: p.Lys1872_Val1873insTer.
Molecular consequence: frameshift variant.
Genome position (GRCh38, 1-based): chr13:32,339,971, A deleted; the last of 3 consecutive A bases (chr13:32,339,969-32,339,971); deleting any one gives the same sequence. VCF-style (leftmost placement, unchanged base first): chr13-32339968-TA-T. GRCh37 (hg19) VCF-style: chr13-32914105-TA-T.
Identifiers: ClinVar variation 267652 (VCV000267652.14), dbSNP rs886040929, ClinGen allele CA10602529.